The following is an entry in ClinVar:

ClinVar aggregate classification (germline): Uncertain significance (1 of 4 stars; one submission).

Conditions:
Congenital contractural arachnodactyly (CCA). Also called: BEALS SYNDROME; Beals-Hecht syndrome; Arthrogryposis, distal, type 9. Identifiers: Orphanet 115, MedGen C0220668, MONDO:0007363, OMIM 121050.

Submission:

Labcorp Genetics (formerly Invitae), Labcorp
Classification: Uncertain significance for Congenital contractural arachnodactyly. Last evaluated: 2025-04-11. Review status: criteria provided, single submitter. Criteria: Invitae Variant Classification Sherloc (09022015). Collection method: clinical testing. Allele origin: germline.
Comment: This sequence change replaces aspartic acid, which is acidic and polar, with glutamic acid, which is acidic and polar, at codon 2534 of the FBN2 protein (p.Asp2534Glu). This variant is not present in population databases (gnomAD no frequency). This variant has not been reported in the literature in individuals affected with FBN2-related conditions. ClinVar contains an entry for this variant (Variation ID: 3670056). Invitae Evidence Modeling of protein sequence and biophysical properties (such as structural, functional, and spatial information, amino acid conservation, physicochemical variation, residue mobility, and thermodynamic stability) indicates that this missense variant is expected to disrupt FBN2 protein function with a positive predictive value of 80%. In summary, the available evidence is currently insufficient to determine the role of this variant in disease. Therefore, it has been classified as a Variant of Uncertain Significance.

NM_001999.4(FBN2):c.7602T>A (p.Asp2534Glu)

Gene: FBN2 (fibrillin 2; minus strand). Cytogenetic location: 5q23.3.
Variant type: single nucleotide variant.
Coding change: c.7602T>A on transcript NM_001999.4 (MANE Select); coding-DNA position 7602, T replaced by A.
Protein change: p.Asp2534Glu; replaces aspartic acid 2534 with glutamic acid.
Molecular consequence: missense variant.
Genome position (GRCh38, 1-based): chr5:128,274,676, A>T on the plus strand (T>A on the coding strand, the complement: FBN2 is on the minus strand). VCF-style: chr5-128274676-A-T. GRCh37 (hg19) VCF-style: chr5-127610368-A-T.
Other names: short protein forms D2534E.
Identifiers: ClinVar variation 3670056 (VCV003670056.2).